The following is an entry in ClinVar:

ClinVar aggregate classification (germline): Uncertain significance (1 of 4 stars; one submission).

Conditions:
Medium-chain acyl-coenzyme A dehydrogenase deficiency (ACADMD). Also called: ACADM DEFICIENCY; CARNITINE DEFICIENCY SECONDARY TO MEDIUM-CHAIN ACYL-CoA DEHYDROGENASE DEFICIENCY; MCADH DEFICIENCY; Medium chain acyl-CoA dehydrogenase deficiency; MCAD Deficiency; MCADD. Identifiers: Orphanet 42, MedGen C0220710, MONDO:0008721, OMIM 201450.

Allele frequency attached by ClinVar (database versions not stated): gnomAD exomes below 0.00001.
gnomAD v4.1: 1 of 1,612,112 alleles (0.000062%); highest among the groups gnomAD compares: South Asian, 0.0011%; no homozygotes.

Submission:

Labcorp Genetics (formerly Invitae), Labcorp
Classification: Uncertain significance for Medium-chain acyl-coenzyme A dehydrogenase deficiency. Last evaluated: 2022-08-19. Review status: criteria provided, single submitter. Criteria: Invitae Variant Classification Sherloc (09022015). Collection method: clinical testing. Allele origin: germline.
Comment: This sequence change replaces serine, which is neutral and polar, with tyrosine, which is neutral and polar, at codon 127 of the ACADM protein (p.Ser127Tyr). This variant is not present in population databases (gnomAD no frequency). This variant has not been reported in the literature in individuals affected with ACADM-related conditions. Advanced modeling of protein sequence and biophysical properties (such as structural, functional, and spatial information, amino acid conservation, physicochemical variation, residue mobility, and thermodynamic stability) performed at Invitae indicates that this missense variant is expected to disrupt ACADM protein function. In summary, the available evidence is currently insufficient to determine the role of this variant in disease. Therefore, it has been classified as a Variant of Uncertain Significance.

NM_000016.6(ACADM):c.380C>A (p.Ser127Tyr)

Gene: ACADM (acyl-CoA dehydrogenase medium chain; plus strand). Cytogenetic location: 1p31.1.
Variant type: single nucleotide variant.
Coding change: c.380C>A on transcript NM_000016.6 (MANE Select); coding-DNA position 380, C replaced by A.
Protein change: p.Ser127Tyr; replaces serine 127 with tyrosine.
Molecular consequence: missense variant. On other transcripts: intron variant (1).
Genome position (GRCh38, 1-based): chr1:75,733,621, C>A. VCF-style: chr1-75733621-C-A. GRCh37 (hg19) VCF-style: chr1-76199306-C-A.
Other names: c.392C>A, p.Ser131Tyr (NM_001127328.3); c.272C>A, p.Ser91Tyr (NM_001286042.2); c.479C>A, p.Ser160Tyr (NM_001286043.2); c.-100+699C>A (NM_001286044.2); short protein forms S131Y, S91Y, S127Y, S160Y.
Identifiers: ClinVar variation 2001998 (VCV002001998.1), dbSNP rs2525578614, ClinGen allele CA340812630.
Genomic context (GRCh38, chr1:75,733,621, plus strand): 5'-TAATTAGTGAAGAATTGGCTTATGGATGTACAGGGGTTCAGACTGCTATTGAAGGAAATT[C>A]TTTGGGGGTAAGTGACTTAGAAAATTAACTACCTAACTCAGCTCTTGTTAATGAGATAGT-3'
Protein context (NP_000007.1, residues 117-137): TGVQTAIEGN[Ser127Tyr]LGQMPIIIAG